The following is an entry in ClinVar:

ClinVar aggregate classification (germline): Likely benign (0 of 4 stars; one submission).

Conditions:
RB1-related disorder. Also called: RB1-related condition.

Allele frequency attached by ClinVar (database versions not stated): gnomAD exomes 0.00002.

Submission:

PreventionGenetics, part of Exact Sciences
Classification: Likely benign for RB1-related condition. Last evaluated: 2022-11-13. Review status: no assertion criteria provided. Collection method: clinical testing. Allele origin: germline.
Comment: This variant is classified as likely benign based on ACMG/AMP sequence variant interpretation guidelines (Richards et al. 2015 PMID: 25741868, with internal and published modifications).

NM_000321.3(RB1):c.2212-14del

Gene: RB1 (RB transcriptional corepressor 1; plus strand). Cytogenetic location: 13q14.2.
Variant type: Deletion.
Coding change: c.2212-14del on transcript NM_000321.3 (MANE Select); 14 bases into the intron before coding-DNA position 2212, one base deleted (C; older notation c.2212-14delC).
Molecular consequence: intron variant.
Genome position (GRCh38, 1-based): chr13:48,464,984, C deleted. VCF-style (leftmost placement, unchanged base first): chr13-48464983-AC-A. GRCh37 (hg19) VCF-style: chr13-49039119-AC-A.
Other names: c.2212-14del (NM_001407165.1).
Identifiers: ClinVar variation 3044343 (VCV003044343.2), dbSNP rs2542375027, ClinGen allele CA955793849.